The following is an entry in ClinVar:

NM_001378454.1(ALMS1):c.6668T>C (p.Leu2223Ser)

Gene: ALMS1 (ALMS1 centrosome and basal body associated protein; plus strand). Cytogenetic location: 2p13.1.
Variant type: single nucleotide variant.
Coding change: c.6668T>C on transcript NM_001378454.1 (MANE Select); coding-DNA position 6668, T replaced by C.
Protein change: p.Leu2223Ser; replaces leucine 2223 with serine.
Molecular consequence: missense variant.
Genome position (GRCh38, 1-based): chr2:73,453,195, T>C. VCF-style: chr2-73453195-T-C. GRCh37 (hg19) VCF-style: chr2-73680322-T-C.
Other names: c.6671T>C, p.Leu2224Ser (NM_015120.4); short protein forms L2223S, L2224S.
Identifiers: ClinVar variation 2914101 (VCV002914101.3), dbSNP rs2466109906, ClinGen allele CA347288965.
Genomic context (GRCh38, chr2:73,453,195, plus strand): 5'-AAAGGCTAATAGATAATTTGAATTCTTCTGACTCCAGTGTTAGCTCAAATAATGTGCTTT[T>C]AAATTCTCAGGCTGATGACAGAGTTGTAATAAATAAACCAGAATCTGCAGGTTTTAGAGA-3'
Protein context (NP_001365383.1, residues 2213-2233): DSSVSSNNVL[Leu2223Ser]NSQADDRVVI

ClinVar aggregate classification (germline): Uncertain significance (1 of 4 stars; one submission).

Conditions:
Alstrom syndrome (ALMS). Identifiers: Orphanet 64, MedGen C0268425, MONDO:0008763, OMIM 203800.

Submission:

Labcorp Genetics (formerly Invitae), Labcorp
Classification: Uncertain significance for Alstrom syndrome. Last evaluated: 2022-12-05. Review status: criteria provided, single submitter. Criteria: Invitae Variant Classification Sherloc (09022015). Collection method: clinical testing. Allele origin: germline.
Comment: This variant is not present in population databases (gnomAD no frequency). This sequence change replaces leucine, which is neutral and non-polar, with serine, which is neutral and polar, at codon 2224 of the ALMS1 protein (p.Leu2224Ser). Algorithms developed to predict the effect of missense changes on protein structure and function output the following: SIFT: "Not Available"; PolyPhen-2: "Not Available"; Align-GVGD: "Not Available". The serine amino acid residue is found in multiple mammalian species, which suggests that this missense change does not adversely affect protein function. This variant has not been reported in the literature in individuals affected with ALMS1-related conditions. In summary, the available evidence is currently insufficient to determine the role of this variant in disease. Therefore, it has been classified as a Variant of Uncertain Significance.